The following is an entry in ClinVar:

NM_000384.3(APOB):c.2134C>T (p.Pro712Ser)

Gene: APOB (apolipoprotein B; minus strand). Cytogenetic location: 2p24.1.
Variant type: single nucleotide variant.
Coding change: c.2134C>T on transcript NM_000384.3 (MANE Select); coding-DNA position 2134, C replaced by T.
Protein change: p.Pro712Ser; replaces proline 712 with serine.
Molecular consequence: missense variant.
Genome position (GRCh38, 1-based): chr2:21,026,898, G>A on the plus strand (C>T on the coding strand, the complement: APOB is on the minus strand). VCF-style: chr2-21026898-G-A. GRCh37 (hg19) VCF-style: chr2-21249770-G-A.
Other names: short protein forms P712S.
Identifiers: ClinVar variation 2451301 (VCV002451301.2), dbSNP rs2465417054, ClinGen allele CA346013282.

ClinVar aggregate classification (germline): Uncertain significance (1 of 4 stars; one submission).

Conditions:
Cardiovascular phenotype. Identifiers: MedGen CN230736.

Submission:

Ambry Genetics
Classification: Uncertain significance for Cardiovascular phenotype. Last evaluated: 2022-12-23. Review status: criteria provided, single submitter. Criteria: Ambry Variant Classification Scheme 2023. Collection method: clinical testing. Allele origin: germline.
Comment: The p.P712S variant (also known as c.2134C>T), located in coding exon 15 of the APOB gene, results from a C to T substitution at nucleotide position 2134. The proline at codon 712 is replaced by serine, an amino acid with similar properties. This amino acid position is conserved. In addition, this alteration is predicted to be tolerated by in silico analysis. Since supporting evidence is limited at this time, the clinical significance of this alteration remains unclear.